The following is an entry in ClinVar:

NM_002691.4(POLD1):c.2686G>A (p.Gly896Ser)

Gene: POLD1 (DNA polymerase delta 1, catalytic subunit; plus strand). Cytogenetic location: 19q13.33.
Variant type: single nucleotide variant.
Coding change: c.2686G>A on transcript NM_002691.4 (MANE Select); coding-DNA position 2686, G replaced by A.
Protein change: p.Gly896Ser; replaces glycine 896 with serine.
Molecular consequence: missense variant. On other transcripts: non-coding transcript variant (1).
Genome position (GRCh38, 1-based): chr19:50,415,559, G>A. VCF-style: chr19-50415559-G-A. GRCh37 (hg19) VCF-style: chr19-50918816-G-A.
Other names: p.Gly896Ser; c.2686G>A, p.Gly896Ser (NM_001256849.1); c.2764G>A, p.Gly922Ser (NM_001308632.1); short protein forms G896S, G922S.
Identifiers: ClinVar variation 469284 (VCV000469284.18), dbSNP rs370557271, ClinGen allele CA406985630.

ClinVar aggregate classification (germline): Uncertain significance. Review status: criteria provided, multiple submitters, no conflicts (2 of 4 stars). 5 submissions from 5 submitters: Uncertain significance (5). Last evaluated 2025-09-21.

Conditions:
POLD1-related polyposis and colorectal cancer syndrome (CRCS10). Also called: Colorectal cancer 10; COLORECTAL CANCER, SUSCEPTIBILITY TO, ON CHROMOSOME 19q; Colorectal cancer, susceptibility to, 10. Identifiers: Orphanet 220460, MedGen C2675481, MONDO:0012953, OMIM 612591.
Mandibular hypoplasia-deafness-progeroid syndrome. Also called: Mandibular hypoplasia, deafness, progeroid features, and lipodystrophy syndrome. Identifiers: Orphanet 363649, MedGen C3715192, MONDO:0014157, OMIM 615381.
Immunodeficiency 120. Identifiers: MedGen C5935622, MONDO:0970994, OMIM 620836.
Hereditary cancer-predisposing syndrome. Also called: Neoplastic Syndromes, Hereditary; Hereditary neoplastic syndrome; Tumor predisposition; Hereditary Cancer Syndrome. Identifiers: Orphanet 140162, MedGen C0027672, MeSH D009386, MONDO:0015356.

Allele frequency attached by ClinVar (database versions not stated): TOPMed 0.00001.
gnomAD v4.1: 10 of 1,612,308 alleles (0.00062%); highest among the groups gnomAD compares: African/African-American, 0.0027%; no homozygotes.

Submissions (5):

Mayo Clinic Laboratories, Mayo Clinic
Classification: Uncertain significance. Last evaluated: 2025-09-21. Review status: criteria provided, single submitter. Criteria: ACMG Guidelines, 2015. Collection method: clinical testing. Allele origin: germline. Observed: 1 variant allele.
Comment: BP4_moderate

Ambry Genetics
Classification: Uncertain significance for Hereditary cancer-predisposing syndrome. Last evaluated: 2025-08-27. Review status: criteria provided, single submitter. Criteria: Ambry Variant Classification Scheme 2023. Collection method: clinical testing. Allele origin: germline.

Labcorp Genetics (formerly Invitae), Labcorp
Classification: Uncertain significance for POLD1-related polyposis and colorectal cancer syndrome. Last evaluated: 2025-08-10. Review status: criteria provided, single submitter. Criteria: Invitae Variant Classification Sherloc (09022015). Collection method: clinical testing. Allele origin: germline.
Comment: This sequence change replaces glycine, which is neutral and non-polar, with serine, which is neutral and polar, at codon 896 of the POLD1 protein (p.Gly896Ser). This variant is present in population databases (no rsID available, gnomAD 0.01%). This variant has not been reported in the literature in individuals affected with POLD1-related conditions. ClinVar contains an entry for this variant (Variation ID: 469284). Invitae Evidence Modeling of protein sequence and biophysical properties (such as structural, functional, and spatial information, amino acid conservation, physicochemical variation, residue mobility, and thermodynamic stability) indicates that this missense variant is not expected to disrupt POLD1 protein function with a negative predictive value of 80%. RNA analysis performed to evaluate the impact of this missense change on mRNA splicing indicates it does not significantly alter splicing (internal data). In summary, the available evidence is currently insufficient to determine the role of this variant in disease. Therefore, it has been classified as a Variant of Uncertain Significance.

Fulgent Genetics
Classification: Uncertain significance for POLD1-related polyposis and colorectal cancer syndrome; Mandibular hypoplasia-deafness-progeroid syndrome; Immunodeficiency 120. Last evaluated: 2024-01-04. Review status: criteria provided, single submitter. Criteria: ACMG Guidelines, 2015. Collection method: clinical testing. Allele origin: germline.

GeneDx
Classification: Uncertain significance. Last evaluated: 2020-11-19. Review status: criteria provided, single submitter. Criteria: GeneDx Variant Classification Process June 2021. Collection method: clinical testing. Allele origin: germline. Affected: yes.
Comment: Not observed at a significant frequency in large population cohorts (Lek 2016); In silico analysis supports that this missense variant does not alter protein structure/function; Has not been previously published as pathogenic or benign to our knowledge; This variant is associated with the following publications: (PMID: 29056344)